The following is an entry in ClinVar:

ClinVar aggregate classification (germline): Uncertain significance. Review status: criteria provided, multiple submitters, no conflicts (2 of 4 stars). 2 submissions from 2 submitters: Uncertain significance (2). Last evaluated 2024-02-29.

Conditions:
TREH-related disorder. Also called: TREH-related condition.

Allele frequency attached by ClinVar (database versions not stated): ExAC 0.00041; ESP Exome Variant Server 0.00064; TOPMed 0.00066; gnomAD 0.00075.
gnomAD v4.1: 1,939 of 1,613,866 alleles (0.12%); highest among the groups gnomAD compares: Non-Finnish European, 0.16%; 3 homozygotes.

Submissions (2):

PreventionGenetics, part of Exact Sciences
Classification: Uncertain significance for TREH-related condition. Last evaluated: 2024-02-29. Review status: criteria provided, single submitter. Criteria: ACMG Guidelines, 2015. Collection method: clinical testing. Allele origin: germline.
Comment: The TREH c.1524G>T variant is predicted to result in the amino acid substitution p.Gln508His. To our knowledge, this variant has not been reported in the literature. This variant is reported in 0.097% of alleles in individuals of European (Non-Finnish) descent in gnomAD. Although we suspect that this variant may be benign, at this time, the clinical significance of this variant is uncertain due to the absence of conclusive functional and genetic evidence.

Ambry Genetics
Classification: Uncertain significance. Last evaluated: 2021-09-16. Review status: criteria provided, single submitter. Criteria: Ambry Variant Classification Scheme 2023. Collection method: clinical testing. Allele origin: germline.

NM_007180.3(TREH):c.1524G>T (p.Gln508His)

Genes: TREH (trehalase; minus strand), LOC112042778 (Sharpr-MPRA regulatory region 11464; plus strand). Cytogenetic location: 11q23.3.
Variant type: single nucleotide variant.
Coding change: c.1524G>T on transcript NM_007180.3 (MANE Select); coding-DNA position 1524, G replaced by T.
Protein change: p.Gln508His; replaces glutamine 508 with histidine.
Molecular consequence: missense variant.
Genome position (GRCh38, 1-based): chr11:118,658,926, C>A on the plus strand (G>T on the coding strand, the complement: TREH is on the minus strand). VCF-style: chr11-118658926-C-A. GRCh37 (hg19) VCF-style: chr11-118529635-C-A.
Other names: c.1431G>T, p.Gln477His (NM_001301065.2); short protein forms Q477H, Q508H.
Identifiers: ClinVar variation 2371994 (VCV002371994.3), dbSNP rs200074060, ClinGen allele CA6307773.
Genomic context (GRCh38, chr11:118,658,926, plus strand): 5'-GACAGCCTGGGGGTGCAGGGAGGGCTTGGGCCAGCTCACCTTCTCATACATGGCTGACTT[C>A]TGCGAGTAGACATCAAAATTGGTTCGGATCCAATTCTGAGCCAGCTGGAAAGCCACTTCC-3'
Protein context (NP_009111.2, residues 498-518): WIRTNFDVYS[Gln508His]KSAMYEKYDV